The following is an entry in ClinVar:

ClinVar aggregate classification (germline): Uncertain significance (1 of 4 stars; one submission).

Submission:

GeneDx
Classification: Uncertain significance. Last evaluated: 2025-06-16. Review status: criteria provided, single submitter. Criteria: GeneDx Variant Classification Process June 2021. Collection method: clinical testing. Allele origin: germline. Affected: yes.
Comment: Reported with a second PGAP3 variant, phase unknown, in a patient with cleft palate, global developmental delay, hypotonia, ataxic gait, and elevated alkaline phosphatase in published literature (PMID: 37647829); In silico analysis supports that this missense variant has a deleterious effect on protein structure/function; Not observed at significant frequency in large population cohorts (gnomAD); This variant is associated with the following publications: (PMID: 37647829)

NM_033419.5(PGAP3):c.530T>G (p.Leu177Arg)

Gene: PGAP3 (post-GPI attachment to proteins phospholipase 3; minus strand). Cytogenetic location: 17q12.
Variant type: single nucleotide variant.
Coding change: c.530T>G on transcript NM_033419.5 (MANE Select); coding-DNA position 530, T replaced by G.
Protein change: p.Leu177Arg; replaces leucine 177 with arginine.
Molecular consequence: missense variant. On other transcripts: intron variant (1).
Genome position (GRCh38, 1-based): chr17:39,674,020, A>C on the plus strand (T>G on the coding strand, the complement: PGAP3 is on the minus strand). VCF-style: chr17-39674020-A-C. GRCh37 (hg19) VCF-style: chr17-37830273-A-C.
Other names: c.377T>G, p.Leu126Arg (NM_001291726.2); c.467T>G, p.Leu156Arg (NM_001291728.2, NM_001291732.2); c.530T>G, p.Leu177Arg (NM_001291730.2); c.433-1154T>G (NM_001291733.2); short protein forms L126R, L156R, L177R.
Identifiers: ClinVar variation 1305748 (VCV001305748.3), dbSNP rs2145100974, ClinGen allele CA399321689.
Genomic context (GRCh38, chr17:39,674,020, plus strand): 5'-ATTTTGCCCCTGCAGCCACCCAGGCAGGCTCACCTGACGCAGCACAGGTAGATTGAGTGT[A>C]GGATGACAGTGGAGGCACAGAAGTAGTCCATTTTCTGAGGACAGGGAAGGGTGGTGAGGG-3'
Protein context (NP_219487.3, residues 167-187): MDYFCASTVI[Leu177Arg]HSIYLCCVRT